The following is an entry in ClinVar:

ClinVar aggregate classification (germline): Likely benign (1 of 4 stars; one submission).

Allele frequency attached by ClinVar (database versions not stated): gnomAD exomes 0.00004; ExAC 0.00006; gnomAD 0.00013; TOPMed 0.00017.
gnomAD v4.1: 70 of 1,603,144 alleles (0.0044%); highest among the groups gnomAD compares: African/African-American, 0.039%; no homozygotes.

Submission:

CeGaT Center for Human Genetics Tuebingen
Classification: Likely benign. Last evaluated: 2022-06-01. Review status: criteria provided, single submitter. Criteria: CeGaT Center For Human Genetics Tuebingen Variant Classification Criteria Version 2. Collection method: clinical testing. Allele origin: germline. Affected: yes. Observed: 1 variant allele.
Comment: AMZ2: BP4, BP7

NM_016627.5(AMZ2):c.336G>A (p.Thr112=)

Gene: AMZ2 (archaelysin family metallopeptidase 2; plus strand). Cytogenetic location: 17q24.2.
Variant type: single nucleotide variant.
Coding change: c.336G>A on transcript NM_016627.5 (MANE Select); coding-DNA position 336, G replaced by A.
Protein change: p.Thr112=; no amino-acid change (threonine 112 retained).
Molecular consequence: synonymous variant. On other transcripts: non-coding transcript variant (2), intron variant (2).
Genome position (GRCh38, 1-based): chr17:68,250,846, G>A. VCF-style: chr17-68250846-G-A. GRCh37 (hg19) VCF-style: chr17-66246987-G-A.
Other names: c.336G>A, p.Thr112= (NM_001346471.1, NM_001346472.1, NM_001346473.1 and 12 more transcripts); c.234G>A, p.Thr78= (NM_001346481.1, NM_001346482.1, NM_001346483.2 and 1 more transcripts); c.168G>A, p.Thr56= (NM_001346485.2); c.284-204G>A (NM_001346480.1, NM_001033574.2).
Identifiers: ClinVar variation 2648149 (VCV002648149.24), dbSNP rs183324449, ClinGen allele CA8727521.